The following is an entry in ClinVar:

NM_001193313.2(SUGCT):c.1147G>A (p.Val383Ile)

Gene: SUGCT (succinyl-CoA:glutarate-CoA transferase; plus strand). Cytogenetic location: 7p14.1.
Variant type: single nucleotide variant.
Coding change: c.1147G>A on transcript NM_001193313.2 (MANE Select); coding-DNA position 1147, G replaced by A.
Protein change: p.Val383Ile; replaces valine 383 with isoleucine.
Molecular consequence: missense variant.
Genome position (GRCh38, 1-based): chr7:40,749,491, G>A. VCF-style: chr7-40749491-G-A. GRCh37 (hg19) VCF-style: chr7-40789090-G-A.
Other names: c.1135G>A (NM_024728.2); c.1225G>A, p.Val409Ile (NM_001193311.2); c.1003G>A, p.Val335Ile (NM_001193312.2); c.1114G>A, p.Val372Ile (NM_024728.3); short protein forms V335I, V372I, V383I, V409I.
Identifiers: ClinVar variation 2148821 (VCV002148821.5), dbSNP rs759909394, ClinGen allele CA4229747.

ClinVar aggregate classification (germline): Conflicting classifications of pathogenicity. Review status: criteria provided, conflicting classifications (1 of 4 stars). 2 submissions from 2 submitters: Uncertain significance (1); Likely benign (1). Last evaluated 2025-02-26.

Allele frequency attached by ClinVar (database versions not stated): ExAC 0.00002; gnomAD 0.00011; TOPMed 0.00012.

Submissions (2):

Ambry Genetics
Classification: Likely benign. Last evaluated: 2025-02-26. Review status: criteria provided, single submitter. Criteria: Ambry Variant Classification Scheme 2023. Collection method: clinical testing. Allele origin: germline.

Labcorp Genetics (formerly Invitae), Labcorp
Classification: Uncertain significance. Last evaluated: 2023-06-29. Review status: criteria provided, single submitter. Criteria: Invitae Variant Classification Sherloc (09022015). Collection method: clinical testing. Allele origin: germline.
Comment: In summary, the available evidence is currently insufficient to determine the role of this variant in disease. Therefore, it has been classified as a Variant of Uncertain Significance. Algorithms developed to predict the effect of missense changes on protein structure and function output the following: SIFT: "Not Available"; PolyPhen-2: "Not Available"; Align-GVGD: "Not Available". The isoleucine amino acid residue is found in multiple mammalian species, which suggests that this missense change does not adversely affect protein function. ClinVar contains an entry for this variant (Variation ID: 2148821). This variant has not been reported in the literature in individuals affected with SUGCT-related conditions. This variant is present in population databases (rs759909394, gnomAD 0.04%). This sequence change replaces valine, which is neutral and non-polar, with isoleucine, which is neutral and non-polar, at codon 379 of the SUGCT protein (p.Val379Ile).